The following is an entry in ClinVar:

NM_018474.6(KIZ):c.951_958del (p.Pro318fs)

Gene: KIZ (kizuna centrosomal protein; plus strand). Cytogenetic location: 20p11.23.
Variant type: Deletion.
Coding change: c.951_958del on transcript NM_018474.6 (MANE Select); coding-DNA positions 951 to 958, 8 bases deleted (CCCGCCAG; older notation c.951_958delCCCGCCAG).
Protein change: p.Pro318fs; shifts the reading frame from proline 318.
Molecular consequence: frameshift variant.
Genome position (GRCh38, 1-based): chr20:21,162,416-21,162,423, CCCGCCAG deleted; deleting any 8 consecutive bases within chr20:21,162,411-21,162,423 gives the same sequence; the c. name uses the placement nearest the transcript's 3' end. VCF-style (leftmost placement, unchanged base first): chr20-21162410-AGCCAGCCC-A. GRCh37 (hg19) VCF-style: chr20-21143051-AGCCAGCCC-A.
Other names: c.642_649del, p.Pro215fs (NM_001163022.3, NM_001352435.2); c.552_559del, p.Pro185fs (NM_001163023.3); c.804_811del, p.Pro269fs (NM_001276389.2); c.951_958del, p.Pro318fs (NM_001352434.2); c.609_616del, p.Pro204fs (NM_001352436.2); short protein forms P318fs, P204fs, P269fs, P185fs, P215fs.
Identifiers: ClinVar variation 964194 (VCV000964194.8), dbSNP rs1429038413, ClinGen allele CA635269224.

ClinVar aggregate classification (germline): Pathogenic/Likely pathogenic. Review status: criteria provided, multiple submitters, no conflicts (2 of 4 stars). 2 submissions from 2 submitters: Pathogenic (1); Likely pathogenic (1). Last evaluated 2024-06-25.

Conditions:
KIZ-related disorder. Also called: KIZ-related condition.

Submissions (2):

Labcorp Genetics (formerly Invitae), Labcorp
Classification: Pathogenic. Last evaluated: 2024-06-25. Review status: criteria provided, single submitter. Criteria: Invitae Variant Classification Sherloc (09022015). Collection method: clinical testing. Allele origin: germline.
Comment: This sequence change creates a premature translational stop signal (p.Pro318Leufs*10) in the KIZ gene. It is expected to result in an absent or disrupted protein product. Loss-of-function variants in KIZ are known to be pathogenic (PMID: 24680887, 29057815). This variant is present in population databases (no rsID available, gnomAD 0.01%). This variant has not been reported in the literature in individuals affected with KIZ-related conditions. ClinVar contains an entry for this variant (Variation ID: 964194). Algorithms developed to predict the effect of sequence changes on RNA splicing suggest that this variant may disrupt the consensus splice site. For these reasons, this variant has been classified as Pathogenic.

Blueprint Genetics
Classification: Likely pathogenic for KIZ-related disorders. Last evaluated: 2019-09-26. Review status: criteria provided, single submitter. Criteria: ACMG Guidelines, 2015. Collection method: clinical testing. Allele origin: germline. Affected: yes. Observed: 1 variant allele.

Literature cited by the submitters: PubMed 24680887 (cited by Labcorp Genetics (formerly Invitae), Labcorp); PubMed 29057815 (cited by Labcorp Genetics (formerly Invitae), Labcorp).